The following is an entry in ClinVar:

NM_000429.3(MAT1A):c.874C>T (p.Arg292Cys)

Gene: MAT1A (methionine adenosyltransferase 1A; minus strand). Cytogenetic location: 10q22.3.
Variant type: single nucleotide variant.
Coding change: c.874C>T on transcript NM_000429.3 (MANE Select); coding-DNA position 874, C replaced by T.
Protein change: p.Arg292Cys; replaces arginine 292 with cysteine.
Molecular consequence: missense variant.
Genome position (GRCh38, 1-based): chr10:80,275,094, G>A on the plus strand (C>T on the coding strand, the complement: MAT1A is on the minus strand). VCF-style: chr10-80275094-G-A. GRCh37 (hg19) VCF-style: chr10-82034850-G-A.
Other names: short protein forms R292C.
Identifiers: ClinVar variation 2735425 (VCV002735425.6), dbSNP rs372852106, ClinGen allele CA5576685.

ClinVar aggregate classification (germline): Pathogenic/Likely pathogenic. Review status: criteria provided, multiple submitters, no conflicts (2 of 4 stars). 3 submissions from 3 submitters: Pathogenic (2); Likely pathogenic (1). Last evaluated 2025-11-28.

Conditions:
Hepatic methionine adenosyltransferase deficiency. Also called: MAT I/III DEFICIENCY; Deficiency of methionine adenosyltransferase; Isolated Persistent Hypermethioninemia; Methionine adenosyltransferase deficiency. Identifiers: Orphanet 168598, MedGen C0268621, MeSH C564683, MONDO:0009607, OMIM 250850.

Allele frequency attached by ClinVar (database versions not stated): gnomAD 0.00001; gnomAD exomes 0.00002; TOPMed 0.00002; ExAC 0.00007.
gnomAD v4.1: 41 of 1,599,392 alleles (0.0026%); highest among the groups gnomAD compares: Admixed American, 0.0035%; no homozygotes.

Submissions (3):

Women's Health and Genetics/Laboratory Corporation of America, LabCorp
Classification: Likely pathogenic for Hepatic methionine adenosyltransferase deficiency. Last evaluated: 2025-11-28. Review status: criteria provided, single submitter. Criteria: LabCorp Variant Classification Summary - May 2015. Collection method: clinical testing. Allele origin: germline.
Comment: Variant summary: MAT1A c.874C>T (p.Arg292Cys) results in a non-conservative amino acid change located in the S-adenosylmethionine synthetase, C-terminal domain (IPR022630) of the encoded protein sequence. Algorithms developed to predict the effect of missense changes on protein structure and function all suggest that this variant is likely to be disruptive. The variant allele was found at a frequency of 2.7e-05 in 225532 control chromosomes. c.874C>T has been observed in individuals affected with autosomal recessive methionine adenosyltransferase deficiency (e.g. Nagao_2013, Furujo_2012, Ma_2024, Mu_2024) . These data indicate that the variant is likely to be associated with disease. At least one publication reports experimental evidence evaluating an impact on protein function. The most pronounced variant effect results in <20% of normal methionine adenosyltransferase activity (Fernandez-Irigoyen_2010). The following publications have been ascertained in the context of this evaluation (PMID: 20675163, 22178350, 24231718, 39511588, 39705457). ClinVar contains an entry for this variant (Variation ID: 2735425). While this variant has been reported in the heterozygous state in the literature (e.g. Furujo_2012), the clinical significance of the variant for autosomal dominant methionine adenosyltransferase deficiency could not be established. Based on the evidence outlined above, the variant was classified as likely pathogenic for autosomal recessive methionine adenosyltransferase deficiency.

Labcorp Genetics (formerly Invitae), Labcorp
Classification: Pathogenic for Hepatic methionine adenosyltransferase deficiency. Last evaluated: 2025-02-24. Review status: criteria provided, single submitter. Criteria: Invitae Variant Classification Sherloc (09022015). Collection method: clinical testing. Allele origin: germline.
Comment: This sequence change replaces arginine, which is basic and polar, with cysteine, which is neutral and slightly polar, at codon 292 of the MAT1A protein (p.Arg292Cys). This variant is present in population databases (rs372852106, gnomAD 0.004%). This missense change has been observed in individual(s) with autosomal recessive hypermethioninemia (PMID: 22178350, 24231718). In at least one individual the data is consistent with being in trans (on the opposite chromosome) from a pathogenic variant. This variant has been reported in individual(s) with autosomal dominant hypermethioninemia (PMID: 20675163); however, the role of the variant in this condition is currently unclear. ClinVar contains an entry for this variant (Variation ID: 2735425). Invitae Evidence Modeling of protein sequence and biophysical properties (such as structural, functional, and spatial information, amino acid conservation, physicochemical variation, residue mobility, and thermodynamic stability) indicates that this missense variant is expected to disrupt MAT1A protein function with a positive predictive value of 80%. Experimental studies have shown that this missense change affects MAT1A function (PMID: 20675163). For these reasons, this variant has been classified as Pathogenic.

Laboratory of Genetics, Children's Clinical University Hospital Latvia
Classification: Pathogenic. Last evaluated: 2025-02-16. Review status: criteria provided, single submitter. Criteria: ACMG Guidelines, 2015. Collection method: clinical testing. Allele origin: germline. Affected: yes.

Literature cited by the submitters: PubMed 20675163 (cited by Women's Health and Genetics/Laboratory Corporation of America, LabCorp and Labcorp Genetics (formerly Invitae), Labcorp); PubMed 22178350 (cited by Women's Health and Genetics/Laboratory Corporation of America, LabCorp and Labcorp Genetics (formerly Invitae), Labcorp); PubMed 24231718 (cited by Women's Health and Genetics/Laboratory Corporation of America, LabCorp and Labcorp Genetics (formerly Invitae), Labcorp); PubMed 39511588 (cited by Women's Health and Genetics/Laboratory Corporation of America, LabCorp); PubMed 39705457 (cited by Women's Health and Genetics/Laboratory Corporation of America, LabCorp).